The following is an entry in ClinVar:

NM_001362.4(DIO3):c.756G>T (p.Ser252=)

Gene: DIO3 (iodothyronine deiodinase 3; plus strand). Cytogenetic location: 14q32.31.
Variant type: single nucleotide variant.
Coding change: c.756G>T on transcript NM_001362.4 (MANE Select); coding-DNA position 756, G replaced by T.
Protein change: p.Ser252=; no amino-acid change (serine 252 retained).
Molecular consequence: synonymous variant.
Genome position (GRCh38, 1-based): chr14:101,562,252, G>T. VCF-style: chr14-101562252-G-T. GRCh37 (hg19) VCF-style: chr14-102028589-G-T.
Identifiers: ClinVar variation 3770502 (VCV003770502.13).

ClinVar aggregate classification (germline): Likely benign (1 of 4 stars; one submission).

Submission:

CeGaT Center for Human Genetics Tuebingen
Classification: Likely benign. Last evaluated: 2025-01-01. Review status: criteria provided, single submitter. Criteria: CeGaT Center For Human Genetics Tuebingen Variant Classification Criteria Version 2. Collection method: clinical testing. Allele origin: germline. Affected: yes. Observed: 1 variant allele.
Comment: DIO3: BP4, BP7